The following is an entry in ClinVar:

NM_004168.4(SDHA):c.295C>T (p.His99Tyr)

Gene: SDHA (succinate dehydrogenase complex flavoprotein subunit A; plus strand). Cytogenetic location: 5p15.33.
Variant type: single nucleotide variant.
Coding change: c.295C>T on transcript NM_004168.4 (MANE Select); coding-DNA position 295, C replaced by T.
Protein change: p.His99Tyr; replaces histidine 99 with tyrosine.
Molecular consequence: missense variant.
Genome position (GRCh38, 1-based): chr5:224,504, C>T. VCF-style: chr5-224504-C-T. GRCh37 (hg19) VCF-style: chr5-224619-C-T.
Other names: c.295C>T, p.His99Tyr (NM_001294332.2, NM_001330758.2); short protein forms H99Y.
Identifiers: ClinVar variation 189839 (VCV000189839.1), dbSNP rs786205145, ClinGen allele CA212523.

ClinVar aggregate classification (germline): Likely pathogenic (0 of 4 stars; one submission).

Conditions:
Carney triad. Also called: GASTRIC LEIOMYOSARCOMA, PULMONARY CHONDROMA, AND EXTRAADRENAL PARAGANGLIOMA. Identifiers: Orphanet 139411, MedGen C1858592, MONDO:0011424, OMIM 604287.

Submission:

Section on Endocrinology and Genetics, National Institutes of Health / The Eunice Kennedy Shriver National Institute of Child Health and Human Development
Classification: Likely pathogenic for Carney triad. Review status: no assertion criteria provided. Collection method: clinical testing. Allele origin: germline. Affected: yes. Observed: 1 heterozygote. Study: Carney Triad.
Comment: rare cases of SDHx mutations in Carney Triad